The following is an entry in ClinVar:

ClinVar aggregate classification (germline): Conflicting classifications of pathogenicity. Review status: criteria provided, conflicting classifications (1 of 4 stars). 4 submissions from 4 submitters: Uncertain significance (1); Likely benign (3). Last evaluated 2026-01-31.

Conditions:
FRAS1-related disorder. Also called: FRAS1-related condition.

Allele frequency attached by ClinVar (database versions not stated): ExAC 0.00013; gnomAD exomes 0.00014; 1000 Genomes Project 30x 0.00016; gnomAD 0.00017; TOPMed 0.00017; 1000 Genomes Project 0.00020; ESP Exome Variant Server 0.00033.
gnomAD v4.1: 512 of 1,587,944 alleles (0.032%); highest among the groups gnomAD compares: Non-Finnish European, 0.043%; no homozygotes.

Submissions (4):

Labcorp Genetics (formerly Invitae), Labcorp
Classification: Likely benign. Last evaluated: 2026-01-31. Review status: criteria provided, single submitter. Criteria: Invitae Variant Classification Sherloc (09022015). Collection method: clinical testing. Allele origin: germline.

PreventionGenetics, part of Exact Sciences
Classification: Likely benign for FRAS1-related condition. Last evaluated: 2025-12-01. Review status: criteria provided, single submitter. Criteria: ACMG Guidelines, 2015. Collection method: clinical testing. Allele origin: germline.
Comment: This variant is classified as likely benign based on ACMG/AMP sequence variant interpretation guidelines (Richards et al. 2015 PMID: 25741868, with internal and published modifications).

CeGaT Center for Human Genetics Tuebingen
Classification: Likely benign. Last evaluated: 2024-07-01. Review status: criteria provided, single submitter. Criteria: CeGaT Center For Human Genetics Tuebingen Variant Classification Criteria Version 2. Collection method: clinical testing. Allele origin: germline. Affected: yes. Observed: 1 variant allele.
Comment: FRAS1: BP4, BP7

Eurofins Ntd Llc (ga)
Classification: Uncertain significance. Last evaluated: 2015-01-05. Review status: criteria provided, single submitter. Criteria: EGL Classification Definitions 2015. Collection method: clinical testing. Allele origin: germline. Observed: 1 variant allele, 1 heterozygote.

NM_025074.7(FRAS1):c.990A>G (p.Glu330=)

Gene: FRAS1 (Fraser extracellular matrix complex subunit 1; plus strand). Cytogenetic location: 4q21.21.
Variant type: single nucleotide variant.
Coding change: c.990A>G on transcript NM_025074.7 (MANE Select); coding-DNA position 990, A replaced by G.
Protein change: p.Glu330=; no amino-acid change (glutamic acid 330 retained).
Molecular consequence: synonymous variant.
Genome position (GRCh38, 1-based): chr4:78,278,663, A>G. VCF-style: chr4-78278663-A-G. GRCh37 (hg19) VCF-style: chr4-79199817-A-G.
Other names: c.990A>G, p.Glu330= (NM_001166133.2).
Identifiers: ClinVar variation 193744 (VCV000193744.31), dbSNP rs374045395, ClinGen allele CA239369.